The following is an entry in ClinVar:

NM_003719.5(PDE8B):c.1560G>A (p.Glu520=)

Gene: PDE8B (phosphodiesterase 8B; plus strand). Cytogenetic location: 5q13.3.
Variant type: single nucleotide variant.
Coding change: c.1560G>A on transcript NM_003719.5 (MANE Select); coding-DNA position 1560, G replaced by A.
Protein change: p.Glu520=; no amino-acid change (glutamic acid 520 retained).
Molecular consequence: synonymous variant.
Genome position (GRCh38, 1-based): chr5:77,411,705, G>A. VCF-style: chr5-77411705-G-A. GRCh37 (hg19) VCF-style: chr5-76707530-G-A.
Other names: c.1269G>A, p.Glu423= (NM_001029851.4); c.1395G>A, p.Glu465= (NM_001029852.4); c.1500G>A, p.Glu500= (NM_001029853.4); c.1419G>A, p.Glu473= (NM_001029854.4); c.1557G>A, p.Glu519= (NM_001349748.3, NM_001349751.3); c.1623G>A, p.Glu541= (NM_001349749.3); c.1320G>A, p.Glu440= (NM_001349750.3); c.1254G>A, p.Glu418= (NM_001349752.3); and 12 more.
Identifiers: ClinVar variation 723075 (VCV000723075.7), dbSNP rs199820842, ClinGen allele CA3315301.

ClinVar aggregate classification (germline): Benign/Likely benign. Review status: criteria provided, multiple submitters, no conflicts (2 of 4 stars). 2 submissions from 2 submitters: Benign (1); Likely benign (1). Last evaluated 2018-08-08.

Conditions:
Autosomal dominant striatal neurodegeneration type 1. Identifiers: Orphanet 228169, MedGen C4310808, MONDO:0012205, OMIM 609161.

Allele frequency attached by ClinVar (database versions not stated): gnomAD exomes 0.00001 and 0.00005; gnomAD 0.00002 and 0.00003; ExAC 0.00004; TOPMed 0.00004; 1000 Genomes Project 30x 0.00016; 1000 Genomes Project 0.00020.

Submissions (2):

Labcorp Genetics (formerly Invitae), Labcorp
Classification: Likely benign. Last evaluated: 2018-08-08. Review status: criteria provided, single submitter. Criteria: Invitae Variant Classification Sherloc (09022015). Collection method: clinical testing. Allele origin: germline.

Illumina Laboratory Services, Illumina
Classification: Benign for Autosomal dominant striatal neurodegeneration type 1. Last evaluated: 2018-01-13. Review status: criteria provided, single submitter. Criteria: ICSL Variant Classification Criteria 13 December 2019. Collection method: clinical testing. Allele origin: germline.
Comment: This variant was observed in the ICSL laboratory as part of a predisposition screen in an ostensibly healthy population. It had not been previously curated by ICSL or reported in the Human Gene Mutation Database (HGMD: prior to June 1st, 2018), and was therefore a candidate for classification through an automated scoring system. Utilizing variant allele frequency, disease prevalence and penetrance estimates, and inheritance mode, an automated score was calculated to assess if this variant is too frequent to cause the disease. Based on the score and internal cut-off values, a variant classified as benign is not then subjected to further curation. The score for this variant resulted in a classification of benign for this disease.